The following is an entry in ClinVar:

NM_001369.3(DNAH5):c.8039T>A (p.Met2680Lys)

Gene: DNAH5 (dynein axonemal heavy chain 5; minus strand). Cytogenetic location: 5p15.2.
Variant type: single nucleotide variant.
Coding change: c.8039T>A on transcript NM_001369.3 (MANE Select); coding-DNA position 8039, T replaced by A.
Protein change: p.Met2680Lys; replaces methionine 2680 with lysine.
Molecular consequence: missense variant.
Genome position (GRCh38, 1-based): chr5:13,793,700, A>T on the plus strand (T>A on the coding strand, the complement: DNAH5 is on the minus strand). VCF-style: chr5-13793700-A-T. GRCh37 (hg19) VCF-style: chr5-13793809-A-T.
Other names: short protein forms M2680K.
Identifiers: ClinVar variation 2586221 (VCV002586221.2), dbSNP rs143754999, ClinGen allele CA113961965.

ClinVar aggregate classification (germline): Uncertain significance (1 of 4 stars; one submission).

Conditions:
Primary ciliary dyskinesia. Also called: Ciliary dyskinesia. Identifiers: Orphanet 244, MedGen C0008780, MONDO:0016575, HP:0012265.

Allele frequency attached by ClinVar (database versions not stated): gnomAD exomes below 0.00001; TOPMed 0.00002; ESP Exome Variant Server 0.00008.
gnomAD v4.1: 1 of 1,614,180 alleles (0.000062%); highest among the groups gnomAD compares: African/African-American, 0.0013%; no homozygotes.

Submission:

Ambry Genetics
Classification: Uncertain significance for Primary ciliary dyskinesia. Last evaluated: 2025-10-30. Review status: criteria provided, single submitter. Criteria: Ambry Variant Classification Scheme 2023. Collection method: clinical testing. Allele origin: germline.
Comment: The p.M2680K variant (also known as c.8039T>A), located in coding exon 49 of the DNAH5 gene, results from a T to A substitution at nucleotide position 8039. The methionine at codon 2680 is replaced by lysine, an amino acid with similar properties. This amino acid position is conserved. In addition, this alteration is predicted to be deleterious by in silico analysis. Based on the available evidence, the clinical significance of this variant remains unclear.